The following is an entry in ClinVar:

NM_012281.3(KCND2):c.52G>C (p.Gly18Arg)

Gene: KCND2 (potassium voltage-gated channel subfamily D member 2; plus strand). Cytogenetic location: 7q31.31.
Variant type: single nucleotide variant.
Coding change: c.52G>C on transcript NM_012281.3 (MANE Select); coding-DNA position 52, G replaced by C.
Protein change: p.Gly18Arg; replaces glycine 18 with arginine.
Molecular consequence: missense variant.
Genome position (GRCh38, 1-based): chr7:120,274,684, G>C. VCF-style: chr7-120274684-G-C. GRCh37 (hg19) VCF-style: chr7-119914738-G-C.
Other names: short protein forms G18R.
Identifiers: ClinVar variation 1704709 (VCV001704709.2), dbSNP rs2546906778, ClinGen allele CA369130726.

ClinVar aggregate classification (germline): Uncertain significance (1 of 4 stars; one submission).

Submission:

GeneDx
Classification: Uncertain significance. Last evaluated: 2022-03-09. Review status: criteria provided, single submitter. Criteria: GeneDx Variant Classification Process June 2021. Collection method: clinical testing. Allele origin: germline. Affected: yes.
Comment: Not observed at significant frequency in large population cohorts (gnomAD); In silico analysis supports that this missense variant has a deleterious effect on protein structure/function; Has not been previously published as pathogenic or benign to our knowledge